The following is an entry in ClinVar:

ClinVar aggregate classification (germline): Uncertain significance. Review status: criteria provided, multiple submitters, no conflicts (2 of 4 stars). 2 submissions from 2 submitters: Uncertain significance (2). Last evaluated 2025-11-10.

Conditions:
Hereditary cancer-predisposing syndrome. Also called: Hereditary Cancer Syndrome; Tumor predisposition; Neoplastic Syndromes, Hereditary; Hereditary neoplastic syndrome. Identifiers: Orphanet 140162, MedGen C0027672, MeSH D009386, MONDO:0015356.
Tuberous sclerosis 1 (TSC1). Identifiers: Orphanet 805, MedGen C1854465, MONDO:0008612, OMIM 191100.

Submissions (2):

Labcorp Genetics (formerly Invitae), Labcorp
Classification: Uncertain significance for Tuberous sclerosis 1. Last evaluated: 2025-11-10. Review status: criteria provided, single submitter. Criteria: Invitae Variant Classification Sherloc (09022015). Collection method: clinical testing. Allele origin: germline.
Comment: This sequence change replaces glutamine, which is neutral and polar, with arginine, which is basic and polar, at codon 1054 of the TSC1 protein (p.Gln1054Arg). This variant is not present in population databases (gnomAD no frequency). This variant has not been reported in the literature in individuals affected with TSC1-related conditions. ClinVar contains an entry for this variant (Variation ID: 648074). Invitae Evidence Modeling of protein sequence and biophysical properties (such as structural, functional, and spatial information, amino acid conservation, physicochemical variation, residue mobility, and thermodynamic stability) indicates that this missense variant is not expected to disrupt TSC1 protein function with a negative predictive value of 95%. In summary, the available evidence is currently insufficient to determine the role of this variant in disease. Therefore, it has been classified as a Variant of Uncertain Significance.

Ambry Genetics
Classification: Uncertain significance for Hereditary cancer-predisposing syndrome. Last evaluated: 2024-06-09. Review status: criteria provided, single submitter. Criteria: Ambry Variant Classification Scheme 2023. Collection method: clinical testing. Allele origin: germline.
Comment: The p.Q1054R variant (also known as c.3161A>G), located in coding exon 21 of the TSC1 gene, results from an A to G substitution at nucleotide position 3161. The glutamine at codon 1054 is replaced by arginine, an amino acid with highly similar properties. This amino acid position is conserved. In addition, this alteration is predicted to be tolerated by in silico analysis. Based on the available evidence, the clinical significance of this variant remains unclear.

NM_000368.5(TSC1):c.3161A>G (p.Gln1054Arg)

Gene: TSC1 (TSC complex subunit 1; minus strand). Cytogenetic location: 9q34.13.
Variant type: single nucleotide variant.
Coding change: c.3161A>G on transcript NM_000368.5 (MANE Select); coding-DNA position 3161, A replaced by G.
Protein change: p.Gln1054Arg; replaces glutamine 1054 with arginine.
Molecular consequence: missense variant.
Genome position (GRCh38, 1-based): chr9:132,896,569, T>C on the plus strand (A>G on the coding strand, the complement: TSC1 is on the minus strand). VCF-style: chr9-132896569-T-C. GRCh37 (hg19) VCF-style: chr9-135771956-T-C.
Other names: c.3158A>G, p.Gln1053Arg (NM_001162426.2); c.3008A>G, p.Gln1003Arg (NM_001162427.2); c.2798A>G, p.Gln933Arg (NM_001362177.2); short protein forms Q1054R, Q1053R, Q933R, Q1003R.
Identifiers: ClinVar variation 648074 (VCV000648074.9), dbSNP rs1588287238, ClinGen allele CA375367194.